The following is an entry in ClinVar:

ClinVar aggregate classification (germline): Uncertain significance (1 of 4 stars; one submission).

Allele frequency attached by ClinVar (database versions not stated): gnomAD 0.00001; TOPMed 0.00001 and below 0.00001.
gnomAD v4.1: 1 of 1,613,906 alleles (0.000062%); highest among the groups gnomAD compares: African/African-American, 0.0013%; no homozygotes.

Submission:

Women's Health and Genetics/Laboratory Corporation of America, LabCorp
Classification: Uncertain significance. Last evaluated: 2017-08-21. Review status: criteria provided, single submitter. Criteria: LabCorp Variant Classification Summary - May 2015. Collection method: clinical testing. Allele origin: germline.
Comment: Variant summary: The ETHE1 c.112T>G (p.Tyr38Asp) variant involves the alteration of a conserved nucleotide, resulting in a missense change that lies within the metallo-beta-lactamase domain (InterPro). 4/4 in silico tools predict a damaging outcome for this variant (SNPsandGO not captured due to low reliability index). This variant is absent in 119600 control chromosomes (ExAC). The variant of interest has not, to our knowledge, been reported in affected individuals via publications and/or reputable databases/clinical diagnostic laboratories; nor evaluated for functional impact by in vivo/vitro studies. Because of the absence of clinical information and the lack of functional studies, the variant is classified as a variant of uncertain significance (VUS) until additional information becomes available.

NM_014297.5(ETHE1):c.112T>G (p.Tyr38Asp)

Gene: ETHE1 (ETHE1 persulfide dioxygenase; minus strand). Cytogenetic location: 19q13.31.
Variant type: single nucleotide variant.
Coding change: c.112T>G on transcript NM_014297.5 (MANE Select); coding-DNA position 112, T replaced by G.
Protein change: p.Tyr38Asp; replaces tyrosine 38 with aspartic acid.
Molecular consequence: missense variant. On other transcripts: 5 prime UTR variant (1), intron variant (1).
Genome position (GRCh38, 1-based): chr19:43,526,629, A>C on the plus strand (T>G on the coding strand, the complement: ETHE1 is on the minus strand). VCF-style: chr19-43526629-A-C. GRCh37 (hg19) VCF-style: chr19-44030781-A-C.
Other names: c.112T>G, p.Tyr38Asp (NM_001320867.2); c.-109T>G (NM_001320868.2); c.81+468T>G (NM_001320869.2); short protein forms Y38D.
Identifiers: ClinVar variation 496425 (VCV000496425.1), dbSNP rs1442758927, ClinGen allele CA406181598.